The following is an entry in ClinVar:

ClinVar aggregate classification (germline): Uncertain significance (1 of 4 stars; one submission).

Conditions:
Hereditary cancer-predisposing syndrome. Also called: Tumor predisposition; Hereditary neoplastic syndrome; Neoplastic Syndromes, Hereditary; Hereditary Cancer Syndrome. Identifiers: Orphanet 140162, MedGen C0027672, MeSH D009386, MONDO:0015356.

Submission:

Ambry Genetics
Classification: Uncertain significance for Hereditary cancer-predisposing syndrome. Last evaluated: 2025-05-11. Review status: criteria provided, single submitter. Criteria: Ambry Variant Classification Scheme 2023. Collection method: clinical testing. Allele origin: germline.
Comment: The p.I149F variant (also known as c.445A>T), located in coding exon 4 of the DICER1 gene, results from an A to T substitution at nucleotide position 445. The isoleucine at codon 149 is replaced by phenylalanine, an amino acid with highly similar properties. This amino acid position is conserved. In addition, this alteration is predicted to be tolerated by in silico analysis. Based on the available evidence, the clinical significance of this variant remains unclear.

NM_177438.3(DICER1):c.445A>T (p.Ile149Phe)

Gene: DICER1 (dicer 1, ribonuclease III; minus strand). Cytogenetic location: 14q32.13.
Variant type: single nucleotide variant.
Coding change: c.445A>T on transcript NM_177438.3 (MANE Select); coding-DNA position 445, A replaced by T.
Protein change: p.Ile149Phe; replaces isoleucine 149 with phenylalanine.
Molecular consequence: missense variant. On other transcripts: 5 prime UTR variant (1), non-coding transcript variant (6), intron variant (1).
Genome position (GRCh38, 1-based): chr14:95,130,186, T>A on the plus strand (A>T on the coding strand, the complement: DICER1 is on the minus strand). VCF-style: chr14-95130186-T-A. GRCh37 (hg19) VCF-style: chr14-95596523-T-A.
Other names: c.445A>T, p.Ile149Phe (NM_001395684.1, NM_001395693.1, NM_001395692.1 and 14 more transcripts); c.163A>T, p.Ile55Phe (NM_001395686.1); c.40A>T, p.Ile14Phe (NM_001395687.1, NM_001395688.1, NM_001395689.1 and 3 more transcripts); c.-1124A>T (NM_001395697.1); c.-20-103A>T (NM_001395691.1); short protein forms I149F, I14F, I55F.
Identifiers: ClinVar variation 4011656 (VCV004011656.1).
Genomic context (GRCh38, chr14:95,130,186, plus strand): 5'-TGTCTGACAGTGATAAGTAACCATTTTTCAAAACATTCAAGGCGACATAGCAAGTCATAA[T>A]GAGAACCTAAAATAAAATCAACATCAGTAAACAAACATAGCATTCACTGCCTGGATATAC-3'
Protein context (NP_803187.1, residues 139-159): NQEFTKHQVL[Ile149Phe]MTCYVALNVL